The following is an entry in ClinVar:

ClinVar aggregate classification (germline): Pathogenic (1 of 4 stars; one submission).

Conditions:
Severe myoclonic epilepsy in infancy (DRVT). Also called: Epileptic encephalopathy, early infantile, 6 (Dravet syndrome); SEVERE MYOCLONIC EPILEPSY OF INFANCY; DEVELOPMENTAL AND EPILEPTIC ENCEPHALOPATHY 6A; Severe Myoclonic Epilepsy in Infancy (SMEI); Dravet syndrome. Identifiers: Orphanet 33069, MedGen C0751122, MONDO:0100135, OMIM 607208.

Submission:

Center for Bioinformatics, Peking University
Classification: Pathogenic for Dravet syndrome. Last evaluated: 2014-12-20. Review status: criteria provided, single submitter. Criteria: Xu et al. (Hum Mutat. 2015). Collection method: research. Allele origin: de novo. Affected: yes. Observed: 1 variant allele. Study: University Clinical Cooperation “985 Project” PKU-2014-1-1.
Comment: Dravet syndrome (DS) probands were recruited from the outpatient and inpatient child neurology units of Peking University First Hospital from 2005 till present. The study was approved by the Ethics Committee of Peking University First Hospital and the Institutional Review Board at Peking University. Participants or their parents provided written informed consent before enrollment. We collected a total of 267 mutations from 255 families with probands diagnosed with DS in China. All probands fulfilled the clinical diagnostic criteria.

NM_001165963.4(SCN1A):c.3705+2T>A

Genes: SCN1A (sodium voltage-gated channel alpha subunit 1; minus strand), LOC102724058 (uncharacterized LOC102724058; plus strand). Cytogenetic location: 2q24.3.
Variant type: single nucleotide variant.
Coding change: c.3705+2T>A on transcript NM_001165963.4 (MANE Select); the canonical splice donor site of the intron after coding-DNA position 3705, T replaced by A.
Molecular consequence: splice donor variant.
Genome position (GRCh38, 1-based): chr2:166,013,742, A>T on the plus strand (T>A on the coding strand, the complement: SCN1A is on the minus strand). VCF-style: chr2-166013742-A-T. GRCh37 (hg19) VCF-style: chr2-166870252-A-T.
Other names: c.3672+2T>A (NM_001353949.2, NM_001353950.2, NM_001353951.2 and 2 more transcripts); c.3621+2T>A (NM_001353958.2, NM_001353957.2, NM_001165964.3); c.3705+2T>A (NM_001202435.3, NM_001353948.2); c.3669+2T>A (NM_001353955.2, NM_001353954.2); c.3618+2T>A (NM_001353960.2); c.1263+2T>A (NM_001353961.2).
Identifiers: ClinVar variation 189891 (VCV000189891.1), dbSNP rs794726735, ClinGen allele CA303223.